The following is an entry in ClinVar:

NM_004408.4(DNM1):c.2502G>A (p.Ser834=)

Gene: DNM1 (dynamin 1; plus strand). Cytogenetic location: 9q34.11.
Variant type: single nucleotide variant.
Coding change: c.2502G>A on transcript NM_004408.4 (MANE Select); coding-DNA position 2502, G replaced by A.
Protein change: p.Ser834=; no amino-acid change (serine 834 retained).
Molecular consequence: synonymous variant.
Genome position (GRCh38, 1-based): chr9:128,250,908, G>A. VCF-style: chr9-128250908-G-A. GRCh37 (hg19) VCF-style: chr9-131013187-G-A.
Other names: c.2502G>A, p.Ser834= (NM_001005336.3, NM_001288737.2, NM_001288738.2 and 2 more transcripts).
Identifiers: ClinVar variation 4822338 (VCV004822338.4).

ClinVar aggregate classification (germline): Likely benign (1 of 4 stars; one submission).

gnomAD v4.1: 1 of 1,365,740 alleles (0.000073%); highest among the groups gnomAD compares: Middle Eastern, 0.022%; no homozygotes.

Submission:

CeGaT Center for Human Genetics Tuebingen
Classification: Likely benign. Last evaluated: 2026-01-01. Review status: criteria provided, single submitter. Criteria: CeGaT Center For Human Genetics Tuebingen Variant Classification Criteria Version 2. Collection method: clinical testing. Allele origin: germline. Affected: yes. Observed: 1 variant allele.
Comment: DNM1: BP4, BP7